The following is an entry in ClinVar:

ClinVar aggregate classification (germline): Likely benign (1 of 4 stars; one submission).

Allele frequency attached by ClinVar (database versions not stated): gnomAD exomes 0.00001 and 0.00003; gnomAD 0.00003 and 0.00004; TOPMed 0.00003.
gnomAD v4.1: 48 of 1,455,286 alleles (0.0033%); highest among the groups gnomAD compares: Non-Finnish European, 0.0041%; no homozygotes.

Submission:

GeneDx
Classification: Likely benign. Last evaluated: 2017-09-25. Review status: criteria provided, single submitter. Criteria: GeneDx Variant Classification (06012015). Collection method: clinical testing. Allele origin: germline. Affected: yes.
Comment: This variant is considered likely benign or benign based on one or more of the following criteria: it is a conservative change, it occurs at a poorly conserved position in the protein, it is predicted to be benign by multiple in silico algorithms, and/or has population frequency not consistent with disease.

NM_172107.4(KCNQ2):c.-30C>T

Gene: KCNQ2 (potassium voltage-gated channel subfamily Q member 2; minus strand). Cytogenetic location: 20q13.33.
Variant type: single nucleotide variant.
Coding change: c.-30C>T on transcript NM_172107.4 (MANE Select); 30 bases upstream of the start codon, C replaced by T.
Molecular consequence: 5 prime UTR variant.
Genome position (GRCh38, 1-based): chr20:63,472,493, G>A on the plus strand (C>T on the coding strand, the complement: KCNQ2 is on the minus strand). VCF-style: chr20-63472493-G-A. GRCh37 (hg19) VCF-style: chr20-62103846-G-A.
Other names: c.-30C>T (NM_004518.6, NM_172106.3, NM_172108.5 and 1 more transcripts).
Identifiers: ClinVar variation 512191 (VCV000512191.1), dbSNP rs1386824941, ClinGen allele CA636614314.